The following is an entry in ClinVar:

NM_022114.4(PRDM16):c.3680G>A (p.Arg1227Lys)

Gene: PRDM16 (PR/SET domain 16; plus strand). Cytogenetic location: 1p36.32.
Variant type: single nucleotide variant.
Coding change: c.3680G>A on transcript NM_022114.4 (MANE Select); coding-DNA position 3680, G replaced by A.
Protein change: p.Arg1227Lys; replaces arginine 1227 with lysine.
Molecular consequence: missense variant.
Genome position (GRCh38, 1-based): chr1:3,432,124, G>A. VCF-style: chr1-3432124-G-A. GRCh37 (hg19) VCF-style: chr1-3348688-G-A.
Other names: c.3680G>A, p.Arg1227Lys (NM_199454.3); short protein forms R1227K.
Identifiers: ClinVar variation 3007646 (VCV003007646.3), dbSNP rs765828521, ClinGen allele CA544932.
Genomic context (GRCh38, chr1:3,432,124, plus strand): 5'-AAGTTAAAGATGTGCTTAATTCCACCTTAGATTCTGAGGCTTTAAAACATACACTGTGCA[G>A]GCAGGCTAAGAACCAGGTAGGTACCCGCCAGAGCCCCTCCCCCACCCCACCTGGCCTCCT-3'
Protein context (NP_071397.3, residues 1217-1237): DSEALKHTLC[Arg1227Lys]QAKNQAYAMM

ClinVar aggregate classification (germline): Uncertain significance (1 of 4 stars; one submission).

Conditions:
Left ventricular noncompaction 8 (LVNC8). Identifiers: Orphanet 154, Orphanet 54260, MedGen C3809288, MONDO:0014152, OMIM 615373.

Allele frequency attached by ClinVar (database versions not stated): gnomAD exomes below 0.00001; ExAC 0.00001; TOPMed 0.00002; gnomAD 0.00003.
gnomAD v4.1: 5 of 1,613,566 alleles (0.00031%); highest among the groups gnomAD compares: African/African-American, 0.0053%; no homozygotes.

Submission:

Labcorp Genetics (formerly Invitae), Labcorp
Classification: Uncertain significance for Left ventricular noncompaction 8. Last evaluated: 2023-03-27. Review status: criteria provided, single submitter. Criteria: Invitae Variant Classification Sherloc (09022015). Collection method: clinical testing. Allele origin: germline.
Comment: This sequence change replaces arginine, which is basic and polar, with lysine, which is basic and polar, at codon 1227 of the PRDM16 protein (p.Arg1227Lys). In summary, the available evidence is currently insufficient to determine the role of this variant in disease. Therefore, it has been classified as a Variant of Uncertain Significance. Algorithms developed to predict the effect of sequence changes on RNA splicing suggest that this variant may create or strengthen a splice site. An algorithm developed to predict the effect of missense changes on protein structure and function (PolyPhen-2) suggests that this variant is likely to be disruptive. This variant has not been reported in the literature in individuals affected with PRDM16-related conditions. This variant is present in population databases (rs765828521, gnomAD 0.007%).